The following is an entry in ClinVar:

NM_000321.3(RB1):c.1874C>T (p.Thr625Ile)

Gene: RB1 (RB transcriptional corepressor 1; plus strand). Cytogenetic location: 13q14.2.
Variant type: single nucleotide variant.
Coding change: c.1874C>T on transcript NM_000321.3 (MANE Select); coding-DNA position 1874, C replaced by T.
Protein change: p.Thr625Ile; replaces threonine 625 with isoleucine.
Molecular consequence: missense variant.
Genome position (GRCh38, 1-based): chr13:48,456,263, C>T. VCF-style: chr13-48456263-C-T. GRCh37 (hg19) VCF-style: chr13-49030399-C-T.
Other names: c.1874C>T, p.Thr625Ile (NM_001407165.1); short protein forms T625I.
Identifiers: ClinVar variation 4862999 (VCV004862999.1).

ClinVar aggregate classification (germline): Uncertain significance (1 of 4 stars; one submission).

Conditions:
Hereditary cancer-predisposing syndrome. Also called: Neoplastic Syndromes, Hereditary; Tumor predisposition; Hereditary Cancer Syndrome; Hereditary neoplastic syndrome. Identifiers: Orphanet 140162, MedGen C0027672, MeSH D009386, MONDO:0015356.

Submission:

Ambry Genetics
Classification: Uncertain significance for Hereditary cancer-predisposing syndrome. Last evaluated: 2026-03-27. Review status: criteria provided, single submitter. Criteria: Ambry Variant Classification Scheme 2023. Collection method: clinical testing. Allele origin: germline.
Comment: The p.T625I variant (also known as c.1874C>T), located in coding exon 19 of the RB1 gene, results from a C to T substitution at nucleotide position 1874. The threonine at codon 625 is replaced by isoleucine, an amino acid with similar properties. This amino acid position is conserved. In addition, the in silico prediction for this alteration is inconclusive. Based on the available evidence, the clinical significance of this variant remains unclear.